The following is an entry in ClinVar:

ClinVar aggregate classification (germline): Likely benign. Review status: criteria provided, single submitter (1 of 4 stars). 2 submissions from 2 submitters: Likely benign (1). 1 of the submissions does not count toward it. Last evaluated 2025-05-21.

Conditions:
ISCA2-related disorder. Also called: ISCA2-related condition.

Allele frequency attached by ClinVar (database versions not stated): ExAC 0.00001; gnomAD exomes 0.00001; gnomAD 0.00005 and 0.00006; ESP Exome Variant Server 0.00008.
gnomAD v4.1: 11 of 1,613,992 alleles (0.00068%); highest among the groups gnomAD compares: African/African-American, 0.015%; no homozygotes.

Submissions (2):

Labcorp Genetics (formerly Invitae), Labcorp
Classification: Likely benign. Last evaluated: 2025-05-21. Review status: criteria provided, single submitter. Criteria: Invitae Variant Classification Sherloc (09022015). Collection method: clinical testing. Allele origin: germline.

PreventionGenetics, part of Exact Sciences
Classification: Likely benign for ISCA2-related condition. Last evaluated: 2019-12-20. Review status: no assertion criteria provided. Collection method: clinical testing. Allele origin: germline. Not counted in ClinVar's aggregate classification.
Comment: This variant is classified as likely benign based on ACMG/AMP sequence variant interpretation guidelines (Richards et al. 2015 PMID: 25741868, with internal and published modifications).

NM_194279.4(ISCA2):c.345C>T (p.Phe115=)

Gene: ISCA2 (iron-sulfur cluster assembly 2; plus strand). Cytogenetic location: 14q24.3.
Variant type: single nucleotide variant.
Coding change: c.345C>T on transcript NM_194279.4 (MANE Select); coding-DNA position 345, C replaced by T.
Protein change: p.Phe115=; no amino-acid change (phenylalanine 115 retained).
Molecular consequence: synonymous variant. On other transcripts: 3 prime UTR variant (1).
Genome position (GRCh38, 1-based): chr14:74,494,880, C>T. VCF-style: chr14-74494880-C-T. GRCh37 (hg19) VCF-style: chr14-74961583-C-T.
Other names: c.345C>T (NM_194279.3); c.*46C>T (NM_001272007.2).
Identifiers: ClinVar variation 1667209 (VCV001667209.9), dbSNP rs143682573, ClinGen allele CA7268353.